The following is an entry in ClinVar:

ClinVar aggregate classification (germline): Uncertain significance (1 of 4 stars; one submission).

Conditions:
Ehlers-Danlos syndrome, classic type, 1 (EDSCL1). Also called: EHLERS-DANLOS SYNDROME, GRAVIS TYPE; EHLERS-DANLOS SYNDROME, SEVERE CLASSIC TYPE; Ehlers-Danlos syndrome, type 1; Ehlers-Danlos Syndrome, Classic Type, COL5A1-Related; EDS I. Identifiers: MedGen C0268335, MONDO:0019567, OMIM 130000.

gnomAD v4.1: 1 of 1,613,890 alleles (0.000062%); highest among the groups gnomAD compares: African/African-American, 0.0013%; no homozygotes.

Submission:

Labcorp Genetics (formerly Invitae), Labcorp
Classification: Uncertain significance for Ehlers-Danlos syndrome, classic type, 1. Last evaluated: 2025-11-23. Review status: criteria provided, single submitter. Criteria: Invitae Variant Classification Sherloc (09022015). Collection method: clinical testing. Allele origin: germline.
Comment: This sequence change replaces isoleucine, which is neutral and non-polar, with valine, which is neutral and non-polar, at codon 201 of the COL5A1 protein (p.Ile201Val). This variant is not present in population databases (gnomAD no frequency). This variant has not been reported in the literature in individuals affected with COL5A1-related conditions. Invitae Evidence Modeling of protein sequence and biophysical properties (such as structural, functional, and spatial information, amino acid conservation, physicochemical variation, residue mobility, and thermodynamic stability) indicates that this missense variant is not expected to disrupt COL5A1 protein function with a negative predictive value of 95%. In summary, the available evidence is currently insufficient to determine the role of this variant in disease. Therefore, it has been classified as a Variant of Uncertain Significance.

NM_000093.5(COL5A1):c.601A>G (p.Ile201Val)

Gene: COL5A1 (collagen type V alpha 1 chain; plus strand). Cytogenetic location: 9q34.3.
Variant type: single nucleotide variant.
Coding change: c.601A>G on transcript NM_000093.5 (MANE Select); coding-DNA position 601, A replaced by G.
Protein change: p.Ile201Val; replaces isoleucine 201 with valine.
Molecular consequence: missense variant.
Genome position (GRCh38, 1-based): chr9:134,701,280, A>G. VCF-style: chr9-134701280-A-G. GRCh37 (hg19) VCF-style: chr9-137593126-A-G.
Other names: c.601A>G, p.Ile201Val (NM_001278074.1); short protein forms I201V.
Identifiers: ClinVar variation 4695445 (VCV004695445.1).